The following is an entry in ClinVar:

ClinVar aggregate classification (germline): Uncertain significance (1 of 4 stars; one submission).

Conditions:
Inborn genetic diseases. Identifiers: MedGen C0950123, MeSH D030342.

Submission:

Ambry Genetics
Classification: Uncertain significance for Inborn genetic diseases. Last evaluated: 2026-01-12. Review status: criteria provided, single submitter. Criteria: Ambry Variant Classification Scheme 2023. Collection method: clinical testing. Allele origin: germline.
Comment: The p.G150S variant (also known as c.448G>A), located in coding exon 3 of the MBD4 gene, results from a G to A substitution at nucleotide position 448. The glycine at codon 150 is replaced by serine, an amino acid with similar properties. This amino acid position is conserved. In addition, this alteration is predicted to be tolerated by in silico analysis. Based on the available evidence, the clinical significance of this variant remains unclear.

NM_001276270.2(MBD4):c.448G>A (p.Gly150Ser)

Gene: MBD4 (methyl-CpG binding domain 4, DNA glycosylase; minus strand). Cytogenetic location: 3q21.3.
Variant type: single nucleotide variant.
Coding change: c.448G>A on transcript NM_001276270.2 (MANE Select); coding-DNA position 448, G replaced by A.
Protein change: p.Gly150Ser; replaces glycine 150 with serine.
Molecular consequence: missense variant. On other transcripts: intron variant (1).
Genome position (GRCh38, 1-based): chr3:129,437,196, C>T on the plus strand (G>A on the coding strand, the complement: MBD4 is on the minus strand). VCF-style: chr3-129437196-C-T. GRCh37 (hg19) VCF-style: chr3-129156039-C-T.
Other names: c.448G>A, p.Gly150Ser (NM_001276272.2, NM_003925.3, NM_001276271.2); c.247+612G>A (NM_001276273.2); short protein forms G150S.
Identifiers: ClinVar variation 4844113 (VCV004844113.1).